The following is an entry in ClinVar:

ClinVar aggregate classification (germline): Conflicting classifications of pathogenicity. Review status: criteria provided, conflicting classifications (1 of 4 stars). 2 submissions from 2 submitters: Pathogenic (1); Uncertain significance (1). Last evaluated 2025-07-29.

Conditions:
Epilepsy, familial focal, with variable foci 3 (FFEVF3). Identifiers: MedGen C4310708, MONDO:0014925, OMIM 617118.

Submissions (2):

Institute of Human Genetics, University of Leipzig Medical Center
Classification: Pathogenic for Epilepsy, familial focal, with variable foci 3. Last evaluated: 2025-07-29. Review status: criteria provided, single submitter. Criteria: ACMG Guidelines, 2015. Collection method: clinical testing. Allele origin: paternal. Inheritance: Autosomal dominant inheritance. Affected: yes.
Comment: Criteria applied: PVS1,PM2

CeGaT Center for Human Genetics Tuebingen
Classification: Uncertain significance. Last evaluated: 2024-11-01. Review status: criteria provided, single submitter. Criteria: CeGaT Center For Human Genetics Tuebingen Variant Classification Criteria Version 2. Collection method: clinical testing. Allele origin: germline. Affected: yes. Observed: 3 variant alleles.
Comment: NPRL3: PM2, PVS1:Moderate

NM_001077350.3(NPRL3):c.630-2A>T

Genes: HBA-LCR (alpha-globin locus control region; plus strand), NPRL3 (NPR3 like, GATOR1 complex subunit; minus strand). Cytogenetic location: 16p13.3.
Variant type: single nucleotide variant.
Coding change: c.630-2A>T on transcript NM_001077350.3 (MANE Select); the canonical splice acceptor site of the intron before coding-DNA position 630, A replaced by T.
Molecular consequence: splice acceptor variant.
Genome position (GRCh38, 1-based): chr16:100,511, T>A on the plus strand (A>T on the coding strand, the complement: NPRL3 is on the minus strand). VCF-style: chr16-100511-T-A. GRCh37 (hg19) VCF-style: chr16-150509-T-A.
Other names: c.396-2A>T (NM_001243247.2); c.555-2A>T (NM_001243248.2, NM_001243249.2); c.93-2A>T (NM_001039476.3).
Identifiers: ClinVar variation 1675590 (VCV001675590.33), dbSNP rs2141925510, ClinGen allele CA393991019.